The following is an entry in ClinVar:

NM_006904.7(PRKDC):c.2503A>G (p.Lys835Glu)

Gene: PRKDC (protein kinase, DNA-activated, catalytic subunit; minus strand). Cytogenetic location: 8q11.21.
Variant type: single nucleotide variant.
Coding change: c.2503A>G on transcript NM_006904.7 (MANE Select); coding-DNA position 2503, A replaced by G.
Protein change: p.Lys835Glu; replaces lysine 835 with glutamic acid.
Molecular consequence: missense variant.
Genome position (GRCh38, 1-based): chr8:47,918,300, T>C on the plus strand (A>G on the coding strand, the complement: PRKDC is on the minus strand). VCF-style: chr8-47918300-T-C. GRCh37 (hg19) VCF-style: chr8-48830860-T-C.
Other names: c.2503A>G, p.Lys835Glu (NM_001081640.2); short protein forms K835E.
Identifiers: ClinVar variation 2626354 (VCV002626354.2), dbSNP rs2551877343, ClinGen allele CA371160340.

ClinVar aggregate classification (germline): Uncertain significance (1 of 4 stars; one submission).

Submission:

Ambry Genetics
Classification: Uncertain significance. Last evaluated: 2023-08-13. Review status: criteria provided, single submitter. Criteria: Ambry Variant Classification Scheme 2023. Collection method: clinical testing. Allele origin: germline.
Comment: The p.K835E variant (also known as c.2503A>G), located in coding exon 22 of the PRKDC gene, results from an A to G substitution at nucleotide position 2503. The lysine at codon 835 is replaced by glutamic acid, an amino acid with similar properties. This amino acid position is conserved. In addition, this alteration is predicted to be tolerated by in silico analysis. Since supporting evidence is limited at this time, the clinical significance of this alteration remains unclear.